The following is an entry in ClinVar:

ClinVar aggregate classification (germline): Pathogenic. Review status: criteria provided, multiple submitters, no conflicts (2 of 4 stars). 5 submissions from 5 submitters: Pathogenic (5). Last evaluated 2025-10-08.

Conditions:
GNAS-related disorder. Identifiers: MedGen CN380105.
Pseudohypoparathyroidism type I A (PHP1A). Also called: Pseudohypoparathyroidism Type IA; ALBRIGHT HEREDITARY OSTEODYSTROPHY WITH MULTIPLE HORMONE RESISTANCE; Pseudohypoparathyroidism type 1A; Pseudohypoparathyroidism Ia (PHP-Ia); PHP IA. Identifiers: Orphanet 79443, MedGen C3494506, MONDO:0007078, OMIM 103580.
Pseudohypoparathyroidism type 1B (PHP1B). Also called: Pseudohypoparathyroidism Type IB; Pseudohypoparathyroidism Ib (PHP-Ib); PHP IB. Identifiers: Orphanet 94089, MedGen C1864100, MONDO:0011301, OMIM 603233.

Submissions (5):

PreventionGenetics, part of Exact Sciences
Classification: Pathogenic for GNAS-related condition. Last evaluated: 2025-10-08. Review status: criteria provided, single submitter. Criteria: ACMG Guidelines, 2015. Collection method: clinical testing. Allele origin: germline.
Comment: The GNAS c.682C>T variant is predicted to result in the amino acid substitution p.Arg228Cys. This variant has been reported to be causative for pseudohypoparathyroidism 1a in an affected mother and her son (Tam et al. 2014. PubMed ID: 24914079) and in a patient with severe obesity (Table S3, Mendes de Oliveira et al. 2021. PubMed ID: 34614324). In vitro studies found this variant affected protein function (Hu et al. 2018. PubMed ID: 29628140). This variant has not been reported in a large population database (gnomAD), indicating this variant is rare. This variant is interpreted as pathogenic or likely pathogenic in ClinVar. This variant is interpreted as pathogenic.

Labcorp Genetics (formerly Invitae), Labcorp
Classification: Pathogenic. Last evaluated: 2025-08-21. Review status: criteria provided, single submitter. Criteria: Invitae Variant Classification Sherloc (09022015). Collection method: clinical testing. Allele origin: germline.
Comment: This sequence change replaces arginine, which is basic and polar, with cysteine, which is neutral and slightly polar, at codon 228 of the GNAS protein (p.Arg228Cys). This variant is not present in population databases (gnomAD no frequency). This missense change has been observed in individual(s) with pseudohypoparathyroidism (PMID: 24914079, 34614324). In at least one individual the variant was observed to be de novo. ClinVar contains an entry for this variant (Variation ID: 1065886). Invitae Evidence Modeling of protein sequence and biophysical properties (such as structural, functional, and spatial information, amino acid conservation, physicochemical variation, residue mobility, and thermodynamic stability) indicates that this missense variant is expected to disrupt GNAS protein function with a positive predictive value of 95%. Experimental studies have shown that this missense change affects GNAS function (PMID: 29628140, 34614324). For these reasons, this variant has been classified as Pathogenic.

Genomic Medicine Center of Excellence, King Faisal Specialist Hospital and Research Centre
Classification: Pathogenic for Pseudohypoparathyroidism type 1B. Last evaluated: 2024-03-26. Review status: criteria provided, single submitter. Criteria: ACMG Guidelines, 2015. Collection method: clinical testing. Allele origin: germline.

GeneDx
Classification: Pathogenic. Last evaluated: 2022-06-10. Review status: criteria provided, single submitter. Criteria: GeneDx Variant Classification Process June 2021. Collection method: clinical testing. Allele origin: germline. Affected: yes.
Comment: Published functional studies demonstrate that this variant leads to loss of function through decreased signaling to downstream effectors (Hu et al., 2018); Not observed in large population cohorts (gnomAD); In silico analysis, which includes protein predictors and evolutionary conservation, supports a deleterious effect; This variant is associated with the following publications: (PMID: 29628140, 24914079, 32110670)

Genetics of Obesity Study, University of Cambridge
Classification: Pathogenic for Pseudohypoparathyroidism type I A. Last evaluated: 2020-06-01. Review status: criteria provided, single submitter. Criteria: ACMG Guidelines, 2015. Collection method: research. Allele origin: de novo. Affected: yes.

Literature cited by the submitters: PubMed 24914079 (cited by Labcorp Genetics (formerly Invitae), Labcorp); PubMed 34614324 (cited by Labcorp Genetics (formerly Invitae), Labcorp and Genetics of Obesity Study, University of Cambridge); PubMed 29628140 (cited by Labcorp Genetics (formerly Invitae), Labcorp).

NM_000516.7(GNAS):c.682C>T (p.Arg228Cys)

Gene: GNAS (GNAS complex locus; plus strand). Cytogenetic location: 20q13.32.
Variant type: single nucleotide variant.
Coding change: c.682C>T on transcript NM_000516.7 (MANE Select); coding-DNA position 682, C replaced by T.
Protein change: p.Arg228Cys; replaces arginine 228 with cysteine.
Molecular consequence: missense variant. On other transcripts: 3 prime UTR variant (2).
Genome position (GRCh38, 1-based): chr20:58,909,543, C>T. VCF-style: chr20-58909543-C-T. GRCh37 (hg19) VCF-style: chr20-57484598-C-T.
Other names: c.682C>T (NM_000516.4, NM_000516.5); c.685C>T, p.Arg229Cys (NM_001077488.5); c.637C>T, p.Arg213Cys (NM_001077489.4); c.*543C>T (NM_001077490.3); c.505C>T, p.Arg169Cys (NM_001309840.2, NM_001309861.2); c.*588C>T (NM_016592.5); c.2611C>T, p.Arg871Cys (NM_080425.4); c.640C>T, p.Arg214Cys (NM_080426.4); and 1 more; short protein forms R228C, R169C, R213C, R214C, R229C, R871C.
Identifiers: ClinVar variation 1065886 (VCV001065886.11), dbSNP rs2146278555, ClinGen allele CA409452305.